The following is an entry in ClinVar:

ClinVar aggregate classification (germline): Uncertain significance. Review status: criteria provided, multiple submitters, no conflicts (2 of 4 stars). 2 submissions from 2 submitters: Uncertain significance (2). Last evaluated 2025-10-27.

Conditions:
Cardiovascular phenotype. Identifiers: MedGen CN230736.
Long QT syndrome (LQTS). Identifiers: MedGen C0023976, MeSH D008133, MONDO:0002442. Disease mechanism: loss of function. Inheritance: Various modes of inheritance.

Allele frequency attached by ClinVar (database versions not stated): ExAC 0.00001; gnomAD exomes 0.00001; TOPMed 0.00002; gnomAD 0.00003.
gnomAD v4.1: 19 of 1,613,766 alleles (0.0012%); highest among the groups gnomAD compares: South Asian, 0.0055%; no homozygotes.

Submissions (2):

Ambry Genetics
Classification: Uncertain significance for Cardiovascular phenotype. Last evaluated: 2025-10-27. Review status: criteria provided, single submitter. Criteria: Ambry Variant Classification Scheme 2023. Collection method: clinical testing. Allele origin: germline.
Comment: The p.T3047M variant (also known as c.9140C>T), located in coding exon 37 of the AKAP9 gene, results from a C to T substitution at nucleotide position 9140. The threonine at codon 3047 is replaced by methionine, an amino acid with similar properties. This amino acid position is well conserved in available vertebrate species. In addition, this alteration is predicted to be tolerated by in silico analysis. Since supporting evidence is limited at this time, the clinical significance of this alteration remains unclear.

Labcorp Genetics (formerly Invitae), Labcorp
Classification: Uncertain significance for Long QT syndrome. Last evaluated: 2022-03-23. Review status: criteria provided, single submitter. Criteria: Invitae Variant Classification Sherloc (09022015). Collection method: clinical testing. Allele origin: germline.
Comment: In summary, the available evidence is currently insufficient to determine the role of this variant in disease. Therefore, it has been classified as a Variant of Uncertain Significance. Algorithms developed to predict the effect of missense changes on protein structure and function are either unavailable or do not agree on the potential impact of this missense change (SIFT: "Deleterious"; PolyPhen-2: "Probably Damaging"; Align-GVGD: "Class C0"). ClinVar contains an entry for this variant (Variation ID: 1045664). This variant has not been reported in the literature in individuals affected with AKAP9-related conditions. This variant is present in population databases (rs756203652, gnomAD 0.003%). This sequence change replaces threonine, which is neutral and polar, with methionine, which is neutral and non-polar, at codon 3047 of the AKAP9 protein (p.Thr3047Met).

NM_005751.5(AKAP9):c.9140C>T (p.Thr3047Met)

Gene: AKAP9 (A-kinase anchoring protein 9; plus strand). Cytogenetic location: 7q21.2.
Variant type: single nucleotide variant.
Coding change: c.9140C>T on transcript NM_005751.5 (MANE Select); coding-DNA position 9140, C replaced by T.
Protein change: p.Thr3047Met; replaces threonine 3047 with methionine.
Molecular consequence: missense variant.
Genome position (GRCh38, 1-based): chr7:92,086,343, C>T. VCF-style: chr7-92086343-C-T. GRCh37 (hg19) VCF-style: chr7-91715657-C-T.
Other names: c.3785C>T, p.Thr1262Met (NM_001379277.1); c.9116C>T, p.Thr3039Met (NM_147185.3); short protein forms T3047M, T1262M, T3039M.
Identifiers: ClinVar variation 1045664 (VCV001045664.12), dbSNP rs756203652, ClinGen allele CA4337667.